The following is an entry in ClinVar:

ClinVar aggregate classification (germline): Uncertain significance. Review status: criteria provided, multiple submitters, no conflicts (2 of 4 stars). 3 submissions from 3 submitters: Uncertain significance (3). Last evaluated 2025-03-31.

Conditions:
Fanconi anemia (FA). Also called: Fanconi's anemia. Identifiers: Orphanet 84, MedGen C0015625, MeSH D005199, MONDO:0019391.
Fanconi anemia complementation group A (FANCA). Also called: FANCA-Related Fanconi Anemia; Fanconi anemia, group A. Identifiers: Orphanet 84, MedGen C3469521, MONDO:0009215, OMIM 227650.

Allele frequency attached by ClinVar (database versions not stated): gnomAD exomes below 0.00001; TOPMed below 0.00001.
gnomAD v4.1: 3 of 1,613,454 alleles (0.00019%); highest among the groups gnomAD compares: Non-Finnish European, 0.00025%; no homozygotes.

Submissions (3):

Labcorp Genetics (formerly Invitae), Labcorp
Classification: Uncertain significance for Fanconi anemia. Last evaluated: 2025-03-31. Review status: criteria provided, single submitter. Criteria: Invitae Variant Classification Sherloc (09022015). Collection method: clinical testing. Allele origin: germline.
Comment: This sequence change replaces glycine, which is neutral and non-polar, with arginine, which is basic and polar, at codon 300 of the FANCA protein (p.Gly300Arg). This variant is not present in population databases (gnomAD no frequency). This variant has not been reported in the literature in individuals affected with FANCA-related conditions. ClinVar contains an entry for this variant (Variation ID: 1327088). Invitae Evidence Modeling of protein sequence and biophysical properties (such as structural, functional, and spatial information, amino acid conservation, physicochemical variation, residue mobility, and thermodynamic stability) indicates that this missense variant is not expected to disrupt FANCA protein function with a negative predictive value of 95%. In summary, the available evidence is currently insufficient to determine the role of this variant in disease. Therefore, it has been classified as a Variant of Uncertain Significance.

Fulgent Genetics
Classification: Uncertain significance for Fanconi anemia complementation group A. Last evaluated: 2024-04-04. Review status: criteria provided, single submitter. Criteria: ACMG Guidelines, 2015. Collection method: clinical testing. Allele origin: germline.

Baylor Genetics
Classification: Uncertain significance for Fanconi anemia complementation group A. Last evaluated: 2021-02-09. Review status: criteria provided, single submitter. Criteria: ACMG Guidelines, 2015. Collection method: clinical testing. Allele origin: unknown. Affected: yes. Study: CSER-TexasKidsCanSeq.
Comment: This variant was determined to be of uncertain significance according to ACMG Guidelines, 2015 [PMID:25741868].

NM_000135.4(FANCA):c.898G>A (p.Gly300Arg)

Gene: FANCA (FA complementation group A; minus strand). Cytogenetic location: 16q24.3.
Variant type: single nucleotide variant.
Coding change: c.898G>A on transcript NM_000135.4 (MANE Select); coding-DNA position 898, G replaced by A.
Protein change: p.Gly300Arg; replaces glycine 300 with arginine.
Molecular consequence: missense variant.
Genome position (GRCh38, 1-based): chr16:89,796,014, C>T on the plus strand (G>A on the coding strand, the complement: FANCA is on the minus strand). VCF-style: chr16-89796014-C-T. GRCh37 (hg19) VCF-style: chr16-89862422-C-T.
Other names: c.898G>A, p.Gly300Arg (NM_001286167.3); short protein forms G300R.
Identifiers: ClinVar variation 1327088 (VCV001327088.3), dbSNP rs1467900630, ClinGen allele CA397470426.
Genomic context (GRCh38, chr16:89,796,014, plus strand): 5'-AGAACCTCTTCAGAGGATCTGTGGAAATTACACTGCCAAGCGTGTGTCCACTGAACACTC[C>T]GAACCTGCCAATGCAGCAGAAAGAGGGGTCAGGAAAGGGAGGGTGCCTTGCACGCCACCC-3'
Protein context (NP_000126.2, residues 290-310): STHKIVRCWF[Gly300Arg]VFSGHTLGSV